The following is an entry in ClinVar:

ClinVar aggregate classification (germline): Pathogenic (1 of 4 stars; one submission).

Submission:

Clinical Genomics Laboratory, Laboratory for Precision Diagnostics, University of Washington
Classification: Pathogenic. Last evaluated: 2019-12-20. Review status: criteria provided, single submitter. Criteria: Clinical Cytogenomics Laboratory Policy on CNV Interpretation. Collection method: clinical testing. Allele origin: unknown. Affected: yes. Observed: 1 variant allele.

Literature cited by the submitters: PubMed 22538716; PubMed 20400964; PubMed 21990120.

GRCh37/hg19 17q22(chr17:56780562-57251609)x1

Genes: PPM1E (protein phosphatase, Mg2+/Mn2+ dependent 1E; plus strand), PRR11 (proline rich 11; plus strand), RAD51C (RAD51 paralog C; plus strand), SKA2 (spindle and kinetochore associated complex subunit 2; minus strand), TRIM37 (tripartite motif containing 37; minus strand). Cytogenetic location: 17q22.
Variant type: copy number loss.
Change: copy number 1 (one copy instead of two) of chr17:56,780,562-57,251,609 (471.0 kb, GRCh37 coordinates, 1-based), cytogenetic band 17q22.
Identifiers: ClinVar variation 929382 (VCV000929382.2).